The following is an entry in ClinVar:

ClinVar aggregate classification (germline): Uncertain significance (1 of 4 stars; one submission).

Submission:

GeneDx
Classification: Uncertain significance. Last evaluated: 2024-12-05. Review status: criteria provided, single submitter. Criteria: GeneDx Variant Classification Process June 2021. Collection method: clinical testing. Allele origin: germline. Affected: yes.
Comment: Not observed at significant frequency in large population cohorts (gnomAD); In silico analysis indicates that this missense variant does not alter protein structure/function; Has not been previously published as pathogenic or benign to our knowledge

NM_004733.4(SLC33A1):c.895A>C (p.Lys299Gln)

Gene: SLC33A1 (solute carrier family 33 member 1; minus strand). Cytogenetic location: 3q25.31.
Variant type: single nucleotide variant.
Coding change: c.895A>C on transcript NM_004733.4 (MANE Select); coding-DNA position 895, A replaced by C.
Protein change: p.Lys299Gln; replaces lysine 299 with glutamine.
Molecular consequence: missense variant. On other transcripts: intron variant (1).
Genome position (GRCh38, 1-based): chr3:155,842,500, T>G on the plus strand (A>C on the coding strand, the complement: SLC33A1 is on the minus strand). VCF-style: chr3-155842500-T-G. GRCh37 (hg19) VCF-style: chr3-155560289-T-G.
Other names: c.895A>C, p.Lys299Gln (NM_001190992.2); c.776-8459A>C (NM_001363883.1); short protein forms K299Q.
Identifiers: ClinVar variation 3901642 (VCV003901642.1).
Genomic context (GRCh38, chr3:155,842,500, plus strand): 5'-TTAGAATCAGAAGGCAAAATGTCAGAACTGCTGGCATTTTTATAATTGCAAAAAGCAGCT[T>G]GTAAGTATCTGTGATCCCTTGTGTTTCTTCTTTTACTACTGATACTTCGTTTTCTTTTTT-3'
Protein context (NP_004724.1, residues 289-309): EETQGITDTY[Lys299Gln]LLFAIIKMPA